The following is an entry in ClinVar:

NM_001371986.1(UNC80):c.3045T>C (p.Asp1015=)

Gene: UNC80 (unc-80 subunit of NALCN channel complex; plus strand). Cytogenetic location: 2q34.
Variant type: single nucleotide variant.
Coding change: c.3045T>C on transcript NM_001371986.1 (MANE Select); coding-DNA position 3045, T replaced by C.
Protein change: p.Asp1015=; no amino-acid change (aspartic acid 1015 retained).
Molecular consequence: synonymous variant.
Genome position (GRCh38, 1-based): chr2:209,839,225, T>C. VCF-style: chr2-209839225-T-C. GRCh37 (hg19) VCF-style: chr2-210703949-T-C.
Other names: c.3045T>C, p.Asp1015= (NM_032504.2); c.3030T>C, p.Asp1010= (NM_182587.4); c.3045T>C (NM_032504.1).
Identifiers: ClinVar variation 1914978 (VCV001914978.7), dbSNP rs530128021, ClinGen allele CA2083079.
Genomic context (GRCh38, chr2:209,839,225, plus strand): 5'-TAGGAGAATTTCTCAAGTGTTGTCAGAAGTTTAACCCTATCCTCTGCTTGCCTACAGCGA[T>C]GAACAAATGCAAGGAGCCAACTTGGGGCGGAAAGATTTCTGGCGTAAGATGTTCAAGTCC-3'
Protein context (NP_001358915.1, residues 1005-1025): SGRPSQTPEH[Asp1015=]EQMQGANLGR

ClinVar aggregate classification (germline): Likely benign. Review status: criteria provided, single submitter (1 of 4 stars). 2 submissions from 2 submitters: Likely benign (1). 1 of the submissions does not count toward it. Last evaluated 2026-01-13.

Conditions:
UNC80-related disorder. Also called: UNC80-related condition.

Allele frequency attached by ClinVar (database versions not stated): gnomAD exomes 0.00003; TOPMed 0.00003; ExAC 0.00005; gnomAD 0.00005.
gnomAD v4.1: 49 of 1,551,328 alleles (0.0032%); highest among the groups gnomAD compares: African/African-American, 0.0041%; no homozygotes.

Submissions (2):

Labcorp Genetics (formerly Invitae), Labcorp
Classification: Likely benign. Last evaluated: 2026-01-13. Review status: criteria provided, single submitter. Criteria: Invitae Variant Classification Sherloc (09022015). Collection method: clinical testing. Allele origin: germline.

PreventionGenetics, part of Exact Sciences
Classification: Likely benign for UNC80-related condition. Last evaluated: 2019-03-27. Review status: no assertion criteria provided. Collection method: clinical testing. Allele origin: germline. Not counted in ClinVar's aggregate classification.
Comment: This variant is classified as likely benign based on ACMG/AMP sequence variant interpretation guidelines (Richards et al. 2015 PMID: 25741868, with internal and published modifications).